The following is an entry in ClinVar:

NM_021971.4(GMPPB):c.15C>G (p.Ile5Met)

Gene: GMPPB (GDP-mannose pyrophosphorylase B; minus strand). Cytogenetic location: 3p21.31.
Variant type: single nucleotide variant.
Coding change: c.15C>G on transcript NM_021971.4 (MANE Select); coding-DNA position 15, C replaced by G.
Protein change: p.Ile5Met; replaces isoleucine 5 with methionine.
Molecular consequence: missense variant.
Genome position (GRCh38, 1-based): chr3:49,723,712, G>C on the plus strand (C>G on the coding strand, the complement: GMPPB is on the minus strand). VCF-style: chr3-49723712-G-C. GRCh37 (hg19) VCF-style: chr3-49761145-G-C.
Other names: c.15C>G, p.Ile5Met (NM_013334.4); c.15C>G (NM_013334.2); short protein forms I5M.
Identifiers: ClinVar variation 1509626 (VCV001509626.6), dbSNP rs1464233491, ClinGen allele CA352832057.

ClinVar aggregate classification (germline): Uncertain significance. Review status: criteria provided, multiple submitters, no conflicts (2 of 4 stars). 2 submissions from 2 submitters: Uncertain significance (2). Last evaluated 2024-01-02.

Conditions:
Inborn genetic diseases. Identifiers: MedGen C0950123, MeSH D030342.
Muscular dystrophy-dystroglycanopathy (congenital with impaired intellectual development), type B, 14. Also called: Congenital muscular dystrophy-dystroglycanopathy with mental retardation, type B14; Muscular dystrophy-dystroglycanopathy (congenital with intellectual disability), type B14; MUSCULAR DYSTROPHY, CONGENITAL, GMPPB-RELATED. Identifiers: MedGen C3809221, MONDO:0014141, OMIM 615351.
Autosomal recessive limb-girdle muscular dystrophy type 2T. Also called: MUSCULAR DYSTROPHY-DYSTROGLYCANOPATHY, LIMB-GIRDLE, GMPPB-RELATED; MUSCULAR DYSTROPHY, LIMB-GIRDLE, TYPE 2T; Muscular dystrophy-dystroglycanopathy (limb-girdle), type c, 14; Limb-girdle muscular dystrophy-dystroglycanopathy, type C14. Identifiers: Orphanet 363623, MedGen C4518000, MONDO:0014142, OMIM 615352.
Muscular dystrophy-dystroglycanopathy (congenital with brain and eye anomalies), type A14. Also called: Congenital muscular dystrophy-dystroglycanopathy with brain and eye anomalies, type A14; WALKER-WARBURG SYNDROME OR MUSCLE-EYE-BRAIN DISEASE, GMPPB-RELATED; Muscular dystrophy-dystroglycanopathy (congenital with brain and eye anomalies), type a, 14; Congenital Muscular Dystrophy-Dystroglycanopathy with Brain and Eye Anomalies Type A 14. Identifiers: Orphanet 588, MedGen C3809216, MONDO:0014140, OMIM 615350.

Submissions (2):

Ambry Genetics
Classification: Uncertain significance for Inborn genetic diseases. Last evaluated: 2024-01-02. Review status: criteria provided, single submitter. Criteria: Ambry Variant Classification Scheme 2023. Collection method: clinical testing. Allele origin: germline.

Labcorp Genetics (formerly Invitae), Labcorp
Classification: Uncertain significance for Autosomal recessive limb-girdle muscular dystrophy type 2T; Muscular dystrophy-dystroglycanopathy (congenital with brain and eye anomalies), type A14; Muscular dystrophy-dystroglycanopathy (congenital with impaired intellectual development), type B, 14. Last evaluated: 2022-01-15. Review status: criteria provided, single submitter. Criteria: Invitae Variant Classification Sherloc (09022015). Collection method: clinical testing. Allele origin: germline.
Comment: This sequence change replaces isoleucine, which is neutral and non-polar, with methionine, which is neutral and non-polar, at codon 5 of the GMPPB protein (p.Ile5Met). This variant is not present in population databases (gnomAD no frequency). This variant has not been reported in the literature in individuals affected with GMPPB-related conditions. Advanced modeling of protein sequence and biophysical properties (such as structural, functional, and spatial information, amino acid conservation, physicochemical variation, residue mobility, and thermodynamic stability) performed at Invitae indicates that this missense variant is expected to disrupt GMPPB protein function. In summary, the available evidence is currently insufficient to determine the role of this variant in disease. Therefore, it has been classified as a Variant of Uncertain Significance.